The following is an entry in ClinVar:

NM_003000.3(SDHB):c.53T>G (p.Leu18Arg)

Genes: SDHB (succinate dehydrogenase complex iron sulfur subunit B; minus strand), LOC129929542 (ATAC-STARR-seq lymphoblastoid active region 277; plus strand). Cytogenetic location: 1p36.13.
Variant type: single nucleotide variant.
Coding change: c.53T>G on transcript NM_003000.3 (MANE Select); coding-DNA position 53, T replaced by G.
Protein change: p.Leu18Arg; replaces leucine 18 with arginine.
Molecular consequence: missense variant.
Genome position (GRCh38, 1-based): chr1:17,053,967, A>C on the plus strand (T>G on the coding strand, the complement: SDHB is on the minus strand). VCF-style: chr1-17053967-A-C. GRCh37 (hg19) VCF-style: chr1-17380462-A-C.
Other names: c.53T>G, p.Leu18Arg (NM_001407361.1); short protein forms L18R.
Identifiers: ClinVar variation 4825764 (VCV004825764.1).

ClinVar aggregate classification (germline): Uncertain significance (1 of 4 stars; one submission).

Conditions:
Hereditary cancer-predisposing syndrome. Also called: Neoplastic Syndromes, Hereditary; Tumor predisposition; Hereditary Cancer Syndrome; Hereditary neoplastic syndrome. Identifiers: Orphanet 140162, MedGen C0027672, MeSH D009386, MONDO:0015356.

Submission:

Ambry Genetics
Classification: Uncertain significance for Hereditary cancer-predisposing syndrome. Last evaluated: 2026-02-25. Review status: criteria provided, single submitter. Criteria: Ambry Variant Classification Scheme 2023. Collection method: clinical testing. Allele origin: germline.
Comment: The p.L18R variant (also known as c.53T>G), located in coding exon 1 of the SDHB gene, results from a T to G substitution at nucleotide position 53. The leucine at codon 18 is replaced by arginine, an amino acid with dissimilar properties. This amino acid position is conserved. In addition, the in silico prediction for this alteration is inconclusive. Based on the available evidence, the clinical significance of this variant remains unclear.